The following is an entry in ClinVar:

ClinVar aggregate classification (germline): Uncertain significance (1 of 4 stars; one submission).

Conditions:
Developmental and epileptic encephalopathy, 1 (DEE1). Also called: X-linked infantile spasms; West's syndrome; Tonic spasms with clustering, arrest of psychomotor development and hypsarrhythmia on EEG; X-Linked Infantile Spasm Syndrome; OHTAHARA SYNDROME, X-LINKED; INFANTILE SPASM SYNDROME, X-LINKED 1. Identifiers: MedGen C3463992, MONDO:0010632, OMIM 308350. Disease mechanism: loss of function.
Autosomal recessive spinocerebellar ataxia 12. Also called: SPINOCEREBELLAR ATAXIA WITH MENTAL RETARDATION AND EPILEPSY. Identifiers: Orphanet 284282, MedGen C3280452, MONDO:0013687, OMIM 614322.

Submission:

Labcorp Genetics (formerly Invitae), Labcorp
Classification: Uncertain significance for Developmental and epileptic encephalopathy, 1; Autosomal recessive spinocerebellar ataxia 12. Last evaluated: 2025-01-06. Review status: criteria provided, single submitter. Criteria: Invitae Variant Classification Sherloc (09022015). Collection method: clinical testing. Allele origin: germline.
Comment: This sequence change replaces methionine, which is neutral and non-polar, with valine, which is neutral and non-polar, at codon 114 of the WWOX protein (p.Met114Val). This variant is present in population databases (no rsID available, gnomAD 0.007%). This variant has not been reported in the literature in individuals affected with WWOX-related conditions. ClinVar contains an entry for this variant (Variation ID: 648022). Invitae Evidence Modeling of protein sequence and biophysical properties (such as structural, functional, and spatial information, amino acid conservation, physicochemical variation, residue mobility, and thermodynamic stability) indicates that this missense variant is not expected to disrupt WWOX protein function with a negative predictive value of 80%. In summary, the available evidence is currently insufficient to determine the role of this variant in disease. Therefore, it has been classified as a Variant of Uncertain Significance.

NM_016373.4(WWOX):c.340A>G (p.Met114Val)

Gene: WWOX (WW domain containing oxidoreductase; plus strand). Cytogenetic location: 16q23.1.
Variant type: single nucleotide variant.
Coding change: c.340A>G on transcript NM_016373.4 (MANE Select); coding-DNA position 340, A replaced by G.
Protein change: p.Met114Val; replaces methionine 114 with valine.
Molecular consequence: missense variant. On other transcripts: initiator codon variant (1), non-coding transcript variant (1).
Genome position (GRCh38, 1-based): chr16:78,115,085, A>G. VCF-style: chr16-78115085-A-G. GRCh37 (hg19) VCF-style: chr16-78148982-A-G.
Other names: c.1A>G, p.Met1Val (NM_001291997.2); c.340A>G, p.Met114Val (NM_130791.5); short protein forms M114V, M1V.
Identifiers: ClinVar variation 648022 (VCV000648022.8), dbSNP rs1402250109, ClinGen allele CA396842498.